The following is an entry in ClinVar:

ClinVar aggregate classification (germline): Likely benign (1 of 4 stars; one submission).

Conditions:
Behavior disorder. Also called: Behavioral disorder. Identifiers: MedGen C0004930.

Allele frequency attached by ClinVar (database versions not stated): TOPMed 0.00149; 1000 Genomes Project 0.00180; 1000 Genomes Project 30x 0.00187.

Submission:

Illumina Laboratory Services, Illumina
Classification: Likely benign for Behavior disorder. Last evaluated: 2018-01-13. Review status: criteria provided, single submitter. Criteria: ICSL Variant Classification Criteria 13 December 2019. Collection method: clinical testing. Allele origin: germline.
Comment: This variant was observed in the ICSL laboratory as part of a predisposition screen in an ostensibly healthy population. It had not been previously curated by ICSL or reported in the Human Gene Mutation Database (HGMD: prior to June 1st, 2018), and was therefore a candidate for classification through an automated scoring system. Utilizing variant allele frequency, disease prevalence and penetrance estimates, and inheritance mode, an automated score was calculated to assess if this variant is too frequent to cause the disease. Based on the score and internal cut-off values, a variant classified as likely benign is not then subjected to further curation. The score for this variant resulted in a classification of likely benign for this disease.

NM_001045.6(SLC6A4):c.*597C>T

Gene: SLC6A4 (solute carrier family 6 member 4; minus strand). Cytogenetic location: 17q11.2.
Variant type: single nucleotide variant.
Coding change: c.*597C>T on transcript NM_001045.6 (MANE Select); 597 bases downstream of the stop codon, C replaced by T.
Molecular consequence: 3 prime UTR variant.
Genome position (GRCh38, 1-based): chr17:30,197,859, G>A on the plus strand (C>T on the coding strand, the complement: SLC6A4 is on the minus strand). VCF-style: chr17-30197859-G-A. GRCh37 (hg19) VCF-style: chr17-28524877-G-A.
Identifiers: ClinVar variation 322519 (VCV000322519.5), dbSNP rs185569563, ClinGen allele CA10645268.